The following is an entry in ClinVar:

ClinVar aggregate classification (germline): Uncertain significance (1 of 4 stars; one submission).

Conditions:
Immunodeficiency, common variable, 7. Identifiers: Orphanet 1572, Orphanet 696894, MedGen C3542922, MONDO:0013862, OMIM 614699.

gnomAD v4.1: 8 of 1,613,898 alleles (0.0005%); highest among the groups gnomAD compares: East Asian, 0.011%; no homozygotes.

Submission:

Labcorp Genetics (formerly Invitae), Labcorp
Classification: Uncertain significance for Immunodeficiency, common variable, 7. Last evaluated: 2024-04-25. Review status: criteria provided, single submitter. Criteria: Invitae Variant Classification Sherloc (09022015). Collection method: clinical testing. Allele origin: germline.
Comment: This sequence change replaces asparagine, which is neutral and polar, with lysine, which is basic and polar, at codon 557 of the CR2 protein (p.Asn557Lys). This variant is present in population databases (rs769117465, gnomAD 0.02%). This variant has not been reported in the literature in individuals affected with CR2-related conditions. An algorithm developed to predict the effect of missense changes on protein structure and function (PolyPhen-2) suggests that this variant is likely to be disruptive. In summary, the available evidence is currently insufficient to determine the role of this variant in disease. Therefore, it has been classified as a Variant of Uncertain Significance.

NM_001006658.3(CR2):c.1671C>A (p.Asn557Lys)

Gene: CR2 (complement C3d receptor 2; plus strand). Cytogenetic location: 1q32.2.
Variant type: single nucleotide variant.
Coding change: c.1671C>A on transcript NM_001006658.3 (MANE Select); coding-DNA position 1671, C replaced by A.
Protein change: p.Asn557Lys; replaces asparagine 557 with lysine.
Molecular consequence: missense variant.
Genome position (GRCh38, 1-based): chr1:207,472,872, C>A. VCF-style: chr1-207472872-C-A. GRCh37 (hg19) VCF-style: chr1-207646217-C-A.
Other names: c.1671C>A, p.Asn557Lys (NM_001877.5); short protein forms N557K.
Identifiers: ClinVar variation 3690721 (VCV003690721.2).